The following is an entry in ClinVar:

NM_001429.4(EP300):c.2513G>C (p.Arg838Pro)

Gene: EP300 (EP300 lysine acetyltransferase; plus strand). Cytogenetic location: 22q13.2.
Variant type: single nucleotide variant.
Coding change: c.2513G>C on transcript NM_001429.4 (MANE Select); coding-DNA position 2513, G replaced by C.
Protein change: p.Arg838Pro; replaces arginine 838 with proline.
Molecular consequence: missense variant.
Genome position (GRCh38, 1-based): chr22:41,149,894, G>C. VCF-style: chr22-41149894-G-C. GRCh37 (hg19) VCF-style: chr22-41545898-G-C.
Other names: c.2435G>C, p.Arg812Pro (NM_001362843.2); short protein forms R812P, R838P.
Identifiers: ClinVar variation 4805221 (VCV004805221.1).

ClinVar aggregate classification (germline): Uncertain significance (1 of 4 stars; one submission).

Conditions:
Rubinstein-Taybi syndrome due to EP300 haploinsufficiency. Also called: RUBINSTEIN-TAYBI SYNDROME 2; EP300-Related Rubinstein-Taybi Syndrome. Identifiers: Orphanet 353284, Orphanet 783, MedGen C3150941, MONDO:0013364, OMIM 613684.

gnomAD v4.1: 3 of 1,613,506 alleles (0.00019%); highest among the groups gnomAD compares: African/African-American, 0.0013%; no homozygotes.

Submission:

Labcorp Genetics (formerly Invitae), Labcorp
Classification: Uncertain significance for Rubinstein-Taybi syndrome due to EP300 haploinsufficiency. Last evaluated: 2025-03-25. Review status: criteria provided, single submitter. Criteria: Invitae Variant Classification Sherloc (09022015). Collection method: clinical testing. Allele origin: germline.
Comment: This sequence change replaces arginine, which is basic and polar, with proline, which is neutral and non-polar, at codon 838 of the EP300 protein (p.Arg838Pro). This variant is present in population databases (no rsID available, gnomAD 0.007%). This variant has not been reported in the literature in individuals affected with EP300-related conditions. Invitae Evidence Modeling of protein sequence and biophysical properties (such as structural, functional, and spatial information, amino acid conservation, physicochemical variation, residue mobility, and thermodynamic stability) indicates that this missense variant is not expected to disrupt EP300 protein function with a negative predictive value of 80%. In summary, the available evidence is currently insufficient to determine the role of this variant in disease. Therefore, it has been classified as a Variant of Uncertain Significance.